The following is an entry in ClinVar:

ClinVar aggregate classification (germline): Uncertain significance (1 of 4 stars; one submission).

Conditions:
Familial cancer of breast. Also called: BREAST CANCER, FAMILIAL; Hereditary breast cancer; hereditary breast carcinoma. Identifiers: Orphanet 227535, MedGen C0346153, MONDO:0016419, OMIM 114480. Disease mechanism: loss of function.

Submission:

Labcorp Genetics (formerly Invitae), Labcorp
Classification: Uncertain significance for Familial cancer of breast. Last evaluated: 2017-10-09. Review status: criteria provided, single submitter. Criteria: Invitae Variant Classification Sherloc (09022015). Collection method: clinical testing. Allele origin: germline.
Comment: This variant is not present in population databases (ExAC no frequency). In summary, the available evidence is currently insufficient to determine the role of this variant in disease. Therefore, it has been classified as a Variant of Uncertain Significance. Algorithms developed to predict the effect of sequence changes on RNA splicing suggest that this variant may create or strengthen a splice site, but this prediction has not been confirmed by published transcriptional studies. Algorithms developed to predict the effect of missense changes on protein structure and function output the following: SIFT: "Deleterious"; PolyPhen-2: "Probably Damaging"; Align-GVGD: "Class C15". The valine amino acid residue is found in multiple mammalian species, suggesting that this missense change does not adversely affect protein function. These predictions have not been confirmed by published functional studies and their clinical significance is uncertain. This variant has not been reported in the literature in individuals with CHEK2-related disease. This sequence change replaces glycine with valine at codon 37 of the CHEK2 protein (p.Gly37Val). The glycine residue is moderately conserved and there is a moderate physicochemical difference between glycine and valine.

NM_007194.4(CHEK2):c.110G>T (p.Gly37Val)

Gene: CHEK2 (checkpoint kinase 2; minus strand). Cytogenetic location: 22q12.1.
Variant type: single nucleotide variant.
Coding change: c.110G>T on transcript NM_007194.4 (MANE Select); coding-DNA position 110, G replaced by T.
Protein change: p.Gly37Val; replaces glycine 37 with valine.
Molecular consequence: missense variant.
Genome position (GRCh38, 1-based): chr22:28,734,612, C>A on the plus strand (G>T on the coding strand, the complement: CHEK2 is on the minus strand). VCF-style: chr22-28734612-C-A. GRCh37 (hg19) VCF-style: chr22-29130600-C-A.
Other names: c.110G>T, p.Gly37Val (NM_001005735.3, NM_001349956.3, NM_145862.3); c.-668G>T (NM_001257387.3); short protein forms G37V.
Identifiers: ClinVar variation 530035 (VCV000530035.9), dbSNP rs764750609, ClinGen allele CA322998834.